The following is an entry in ClinVar:

ClinVar aggregate classification (germline): Uncertain significance. Review status: criteria provided, multiple submitters, no conflicts (2 of 4 stars). 7 submissions from 7 submitters: Uncertain significance (7). Last evaluated 2026-04-23.

Conditions:
Classic or attenuated familial adenomatous polyposis. Identifiers: MedGen CN372698, MONDO:0021057.
Hereditary cancer-predisposing syndrome. Also called: Hereditary Cancer Syndrome; Tumor predisposition; Hereditary neoplastic syndrome; Neoplastic Syndromes, Hereditary. Identifiers: Orphanet 140162, MedGen C0027672, MeSH D009386, MONDO:0015356.
Familial adenomatous polyposis 1 (FAP1). Also called: FAMILIAL ADENOMATOUS POLYPOSIS 1, ATTENUATED; POLYPOSIS, ADENOMATOUS INTESTINAL. Identifiers: MedGen C2713442, MONDO:0021056, OMIM 175100. Disease mechanism: loss of function.

Allele frequency attached by ClinVar (database versions not stated): gnomAD exomes below 0.00001.
gnomAD v4.1: 5 of 1,613,894 alleles (0.00031%); highest among the groups gnomAD compares: Non-Finnish European, 0.00042%; no homozygotes.

Submissions (7):

Ambry Genetics
Classification: Uncertain significance for Hereditary cancer-predisposing syndrome. Last evaluated: 2026-04-23. Review status: criteria provided, single submitter. Criteria: Ambry Variant Classification Scheme 2023. Collection method: clinical testing. Allele origin: germline.
Comment: The p.S2487P variant (also known as c.7459T>C), located in coding exon 15 of the APC gene, results from a T to C substitution at nucleotide position 7459. The serine at codon 2487 is replaced by proline, an amino acid with similar properties. This amino acid position is highly conserved in available vertebrate species. In addition, in silico predictors for this gene do not accurately predict pathogenicity. Missense alterations in APC are not a common cause of disease (Spier I et al. Genet Med. 2024 Feb;26(2):100992). Based on the available evidence, the clinical significance of this variant remains unclear.

Labcorp Genetics (formerly Invitae), Labcorp
Classification: Uncertain significance for Familial adenomatous polyposis 1. Last evaluated: 2025-10-26. Review status: criteria provided, single submitter. Criteria: Invitae Variant Classification Sherloc (09022015). Collection method: clinical testing. Allele origin: germline.
Comment: This sequence change replaces serine, which is neutral and polar, with proline, which is neutral and non-polar, at codon 2487 of the APC protein (p.Ser2487Pro). This variant is not present in population databases (gnomAD no frequency). This variant has not been reported in the literature in individuals affected with APC-related conditions. ClinVar contains an entry for this variant (Variation ID: 411432). Invitae Evidence Modeling of protein sequence and biophysical properties (such as structural, functional, and spatial information, amino acid conservation, physicochemical variation, residue mobility, and thermodynamic stability) indicates that this missense variant is not expected to disrupt APC protein function with a negative predictive value of 95%. In summary, the available evidence is currently insufficient to determine the role of this variant in disease. Therefore, it has been classified as a Variant of Uncertain Significance.

Quest Diagnostics Nichols Institute San Juan Capistrano
Classification: Uncertain significance. Last evaluated: 2025-04-08. Review status: criteria provided, single submitter. Criteria: Quest Diagnostics criteria. Collection method: clinical testing. Allele origin: unknown.
Comment: The APC c.7459T>C (p.Ser2487Pro) variant has been reported in the published literature in an individual with hemangioblastoma (PMID: 35220972 (2022)). This variant has not been reported in large, multi-ethnic general populations (Genome Aggregation Database). Analysis of this variant using bioinformatics tools for the prediction of the effect of amino acid changes on protein structure and function yielded deleterious findings. Based on the available information, we are unable to determine the clinical significance of this variant.

Women's Health and Genetics/Laboratory Corporation of America, LabCorp
Classification: Uncertain significance. Last evaluated: 2025-03-28. Review status: criteria provided, single submitter. Criteria: LabCorp Variant Classification Summary - May 2015. Collection method: clinical testing. Allele origin: germline.
Comment: Variant summary: APC c.7459T>C (p.Ser2487Pro) results in a non-conservative amino acid change located in the Adenomatous polyposis coli protein basic domain of the encoded protein sequence. Three of five in-silico tools predict a benign effect of the variant on protein function. The variant was absent in 251264 control chromosomes. The available data on variant occurrences in the general population are insufficient to allow any conclusion about variant significance. To our knowledge, no occurrence of c.7459T>C in individuals affected with Familial Adenomatous Polyposis and no experimental evidence demonstrating its impact on protein function have been reported. ClinVar contains an entry for this variant (Variation ID: 411432). Based on the evidence outlined above, the variant was classified as uncertain significance.

All of Us Research Program, National Institutes of Health
Classification: Uncertain significance for Classic or attenuated familial adenomatous polyposis. Last evaluated: 2024-03-05. Review status: criteria provided, single submitter. Criteria: ACMG Guidelines, 2015. Collection method: clinical testing. Allele origin: germline. Inheritance: Autosomal dominant inheritance. Observed: 3 variant alleles, 3 heterozygotes.
Comment: This missense variant replaces serine with proline at codon 2487 of the APC protein. Computational prediction suggests that this variant may not impact protein structure and function (internally defined REVEL score threshold <= 0.5, PMID: 27666373). To our knowledge, functional studies have not been reported for this variant. This variant has not been reported in individuals affected with APC-related disorders in the literature. This variant has not been identified in the general population by the Genome Aggregation Database (gnomAD). The available evidence is insufficient to determine the role of this variant in disease conclusively. Therefore, this variant is classified as a Variant of Uncertain Significance.

This study involves interpretation of variants in research participants for the purpose of population health screening. Participant phenotype was not available at the time of variant classification. Additional details can be found in publication PMID: 35346344, PMCID: PMC8962531

Color Diagnostics, LLC DBA Color Health
Classification: Uncertain significance for Hereditary cancer-predisposing syndrome. Last evaluated: 2024-01-30. Review status: criteria provided, single submitter. Criteria: ACMG Guidelines, 2015. Collection method: clinical testing. Allele origin: germline.
Comment: This missense variant replaces serine with proline at codon 2487 of the APC protein. Computational prediction suggests that this variant may not impact protein structure and function. To our knowledge, functional studies have not been reported for this variant. This variant has not been reported in individuals affected with APC-related disorders in the literature. This variant has not been identified in the general population by the Genome Aggregation Database (gnomAD). The available evidence is insufficient to determine the role of this variant in disease conclusively. Therefore, this variant is classified as a Variant of Uncertain Significance.

Baylor Genetics
Classification: Uncertain significance for Familial adenomatous polyposis 1. Last evaluated: 2023-10-19. Review status: criteria provided, single submitter. Criteria: ACMG Guidelines, 2015. Collection method: clinical testing. Allele origin: unknown.

Literature cited by the submitters: PubMed 35220972 (cited by Quest Diagnostics Nichols Institute San Juan Capistrano).

NM_000038.6(APC):c.7459T>C (p.Ser2487Pro)

Gene: APC (APC regulator of Wnt signaling pathway; plus strand). Cytogenetic location: 5q22.2.
Variant type: single nucleotide variant.
Coding change: c.7459T>C on transcript NM_000038.6 (MANE Select); coding-DNA position 7459, T replaced by C.
Protein change: p.Ser2487Pro; replaces serine 2487 with proline.
Molecular consequence: missense variant.
Genome position (GRCh38, 1-based): chr5:112,843,053, T>C. VCF-style: chr5-112843053-T-C. GRCh37 (hg19) VCF-style: chr5-112178750-T-C.
Other names: c.7459T>C, p.Ser2487Pro (NM_001127510.3, NM_001354895.2); c.7405T>C, p.Ser2469Pro (NM_001127511.3); c.7513T>C, p.Ser2505Pro (NM_001354896.2); c.7489T>C, p.Ser2497Pro (NM_001354897.2); c.7384T>C, p.Ser2462Pro (NM_001354898.2); c.7375T>C, p.Ser2459Pro (NM_001354899.2); c.7336T>C, p.Ser2446Pro (NM_001354900.2); c.7282T>C, p.Ser2428Pro (NM_001354901.2); and 5 more; short protein forms S2469P, S2487P, S2204P, S2396P, S2327P, S2505P, S2386P, S2459P.
Identifiers: ClinVar variation 411432 (VCV000411432.20), dbSNP rs1060503300, ClinGen allele CA16037561.
Genomic context (GRCh38, chr5:112,843,053, plus strand): 5'-CCATCATCTAGACCAGCTTCTCCCACTAGGTCCCAGGCACAAACTCCAGTTTTAAGTCCT[T>C]CCCTTCCTGATATGTCTCTATCCACACATTCGTCTGTTCAGGCTGGTGGATGGCGAAAAC-3'
Protein context (NP_000029.2, residues 2477-2497): SQAQTPVLSP[Ser2487Pro]LPDMSLSTHS